The following is an entry in ClinVar:

NM_006946.4(SPTBN2):c.692G>A (p.Cys231Tyr)

Gene: SPTBN2 (spectrin beta, non-erythrocytic 2; minus strand). Cytogenetic location: 11q13.2.
Variant type: single nucleotide variant.
Coding change: c.692G>A on transcript NM_006946.4 (MANE Select); coding-DNA position 692, G replaced by A.
Protein change: p.Cys231Tyr; replaces cysteine 231 with tyrosine.
Molecular consequence: missense variant.
Genome position (GRCh38, 1-based): chr11:66,713,711, C>T on the plus strand (G>A on the coding strand, the complement: SPTBN2 is on the minus strand). VCF-style: chr11-66713711-C-T. GRCh37 (hg19) VCF-style: chr11-66481182-C-T.
Other names: c.692G>A (NM_006946.2); short protein forms C231Y.
Identifiers: ClinVar variation 1372969 (VCV001372969.12), dbSNP rs773129687, ClinGen allele CA6129594.
Genomic context (GRCh38, chr11:66,713,711, plus strand): 5'-GTAAGTCCCAGTTCCTTTTCAGCCAGATTGAATGCATTCTGCAGATTATAGTGTGCATTA[C>T]ACTTCTTCAGAGACTCAAAATCCAGCAGGTCTGGCCTGGGTGGGGAGGCAAGACAGAAGG-3'
Protein context (NP_008877.2, residues 221-241): DLLDFESLKK[Cys231Tyr]NAHYNLQNAF

ClinVar aggregate classification (germline): Uncertain significance. Review status: criteria provided, multiple submitters, no conflicts (2 of 4 stars). 5 submissions from 5 submitters: Uncertain significance (5). Last evaluated 2026-04-03.

Conditions:
Inborn genetic diseases. Identifiers: MedGen C0950123, MeSH D030342.
Autosomal recessive spinocerebellar ataxia 14. Also called: CEREBELLAR ATAXIA, AUTOSOMAL RECESSIVE, SPECTRIN-ASSOCIATED, 1. Identifiers: Orphanet 352403, MedGen C4706415, MONDO:0014159, OMIM 615386.
Spinocerebellar ataxia type 5 (SCA5). Identifiers: Orphanet 98766, MedGen C0752123, MONDO:0010848, OMIM 600224.

Allele frequency attached by ClinVar (database versions not stated): gnomAD exomes below 0.00001 and 0.00003; ExAC 0.00002; TOPMed 0.00002; gnomAD 0.00004.
gnomAD v4.1: 15 of 1,614,018 alleles (0.00093%); highest among the groups gnomAD compares: African/African-American, 0.0093%; no homozygotes.

Submissions (5):

Women's Health and Genetics/Laboratory Corporation of America, LabCorp
Classification: Uncertain significance. Last evaluated: 2026-04-03. Review status: criteria provided, single submitter. Criteria: LabCorp Variant Classification Summary - May 2015. Collection method: clinical testing. Allele origin: germline.
Comment: Variant summary: SPTBN2 c.692G>A (p.Cys231Tyr) results in a non-conservative amino acid change in the encoded protein sequence. Algorithms developed to predict the effect of missense changes on protein structure and function all suggest that this variant is likely to be disruptive. The variant allele was found at a frequency of 2.8e-05 in 251456 control chromosomes. The available data on variant occurrences in the general population are insufficient to allow any conclusion about variant significance. To our knowledge, no occurrence of c.692G>A in individuals affected with SPTBN2-related conditions and no experimental evidence demonstrating its impact on protein function have been reported. ClinVar contains an entry for this variant (Variation ID: 1372969). Based on the evidence outlined above, the variant was classified as uncertain significance.

Labcorp Genetics (formerly Invitae), Labcorp
Classification: Uncertain significance. Last evaluated: 2025-09-02. Review status: criteria provided, single submitter. Criteria: Invitae Variant Classification Sherloc (09022015). Collection method: clinical testing. Allele origin: germline.
Comment: This sequence change replaces cysteine, which is neutral and slightly polar, with tyrosine, which is neutral and polar, at codon 231 of the SPTBN2 protein (p.Cys231Tyr). This variant is present in population databases (rs773129687, gnomAD 0.01%). This variant has not been reported in the literature in individuals affected with SPTBN2-related conditions. ClinVar contains an entry for this variant (Variation ID: 1372969). Invitae Evidence Modeling of protein sequence and biophysical properties (such as structural, functional, and spatial information, amino acid conservation, physicochemical variation, residue mobility, and thermodynamic stability) indicates that this missense variant is not expected to disrupt SPTBN2 protein function with a negative predictive value of 80%. In summary, the available evidence is currently insufficient to determine the role of this variant in disease. Therefore, it has been classified as a Variant of Uncertain Significance.

Athena Diagnostics
Classification: Uncertain significance. Last evaluated: 2023-01-09. Review status: criteria provided, single submitter. Criteria: Athena Diagnostics Criteria. Collection method: clinical testing. Allele origin: unknown.
Comment: Available data are insufficient to determine the clinical significance of the variant at this time. The frequency of this variant in the general population is higher than would generally be expected for pathogenic variants in this gene. Computational tools disagree on the variant's effect on normal protein function.

Fulgent Genetics
Classification: Uncertain significance for Spinocerebellar ataxia type 5; Autosomal recessive spinocerebellar ataxia 14. Last evaluated: 2021-08-10. Review status: criteria provided, single submitter. Criteria: ACMG Guidelines, 2015. Collection method: clinical testing. Allele origin: unknown.

Ambry Genetics
Classification: Uncertain significance for Inborn genetic diseases. Last evaluated: 2021-07-14. Review status: criteria provided, single submitter. Criteria: Ambry Variant Classification Scheme 2023. Collection method: clinical testing. Allele origin: germline.